The following is an entry in ClinVar:

ClinVar aggregate classification (germline): Uncertain significance. Review status: criteria provided, multiple submitters, no conflicts (2 of 4 stars). 2 submissions from 2 submitters: Uncertain significance (2). Last evaluated 2025-03-30.

Conditions:
Inborn genetic diseases. Identifiers: MedGen C0950123, MeSH D030342.

Allele frequency attached by ClinVar (database versions not stated): gnomAD exomes 0.00002; ExAC 0.00002.
gnomAD v4.1: 35 of 1,490,916 alleles (0.0023%); highest among the groups gnomAD compares: Admixed American, 0.0037%; no homozygotes.

Submissions (2):

Ambry Genetics
Classification: Uncertain significance for Inborn genetic diseases. Last evaluated: 2025-03-30. Review status: criteria provided, single submitter. Criteria: Ambry Variant Classification Scheme 2023. Collection method: clinical testing. Allele origin: germline.

Labcorp Genetics (formerly Invitae), Labcorp
Classification: Uncertain significance. Last evaluated: 2022-05-05. Review status: criteria provided, single submitter. Criteria: Invitae Variant Classification Sherloc (09022015). Collection method: clinical testing. Allele origin: germline.
Comment: This sequence change replaces cysteine, which is neutral and slightly polar, with tyrosine, which is neutral and polar, at codon 122 of the UBE3B protein (p.Cys122Tyr). This variant is present in population databases (rs746811263, gnomAD 0.006%). This variant has not been reported in the literature in individuals affected with UBE3B-related conditions. Algorithms developed to predict the effect of missense changes on protein structure and function are either unavailable or do not agree on the potential impact of this missense change (SIFT: "Deleterious"; PolyPhen-2: "Benign"; Align-GVGD: "Class C0"). In summary, the available evidence is currently insufficient to determine the role of this variant in disease. Therefore, it has been classified as a Variant of Uncertain Significance.

NM_130466.4(UBE3B):c.365G>A (p.Cys122Tyr)

Gene: UBE3B (ubiquitin protein ligase E3B; plus strand). Cytogenetic location: 12q24.11.
Variant type: single nucleotide variant.
Coding change: c.365G>A on transcript NM_130466.4 (MANE Select); coding-DNA position 365, G replaced by A.
Protein change: p.Cys122Tyr; replaces cysteine 122 with tyrosine.
Molecular consequence: missense variant.
Genome position (GRCh38, 1-based): chr12:109,486,493, G>A. VCF-style: chr12-109486493-G-A. GRCh37 (hg19) VCF-style: chr12-109924298-G-A.
Other names: c.365G>A, p.Cys122Tyr (NM_001270449.2, NM_001270450.2, NM_001270451.2 and 1 more transcripts); short protein forms C122Y.
Identifiers: ClinVar variation 2053671 (VCV002053671.3), dbSNP rs746811263, ClinGen allele CA6777474.